The following is an entry in ClinVar:

NM_207361.6(FREM2):c.5991A>G (p.Gln1997=)

Gene: FREM2 (FRAS1 related extracellular matrix 2; plus strand). Cytogenetic location: 13q13.3.
Variant type: single nucleotide variant.
Coding change: c.5991A>G on transcript NM_207361.6 (MANE Select); coding-DNA position 5991, A replaced by G.
Protein change: p.Gln1997=; no amino-acid change (glutamine 1997 retained).
Molecular consequence: synonymous variant.
Genome position (GRCh38, 1-based): chr13:38,784,780, A>G. VCF-style: chr13-38784780-A-G. GRCh37 (hg19) VCF-style: chr13-39358917-A-G.
Identifiers: ClinVar variation 3033013 (VCV003033013.2), dbSNP rs761867523, ClinGen allele CA6955396.

ClinVar aggregate classification (germline): Likely benign (0 of 4 stars; one submission).

Conditions:
FREM2-related disorder. Also called: FREM2-related condition.

Allele frequency attached by ClinVar (database versions not stated): gnomAD exomes 0.00001; ExAC 0.00002.
gnomAD v4.1: 11 of 1,614,222 alleles (0.00068%); highest among the groups gnomAD compares: South Asian, 0.012%; no homozygotes.

Submission:

PreventionGenetics, part of Exact Sciences
Classification: Likely benign for FREM2-related condition. Last evaluated: 2023-06-20. Review status: no assertion criteria provided. Collection method: clinical testing. Allele origin: germline.
Comment: This variant is classified as likely benign based on ACMG/AMP sequence variant interpretation guidelines (Richards et al. 2015 PMID: 25741868, with internal and published modifications).